The following is an entry in ClinVar:

ClinVar aggregate classification (germline): Uncertain significance (1 of 4 stars; one submission).

Conditions:
Dilated cardiomyopathy 1DD (CMD1DD). Identifiers: Orphanet 154, MedGen C2750995, MONDO:0013168, OMIM 613172.

Submission:

Labcorp Genetics (formerly Invitae), Labcorp
Classification: Uncertain significance for Dilated cardiomyopathy 1DD. Last evaluated: 2024-07-25. Review status: criteria provided, single submitter. Criteria: Invitae Variant Classification Sherloc (09022015). Collection method: clinical testing. Allele origin: germline.
Comment: This sequence change replaces valine, which is neutral and non-polar, with isoleucine, which is neutral and non-polar, at codon 811 of the RBM20 protein (p.Val811Ile). This variant is not present in population databases (gnomAD no frequency). This variant has not been reported in the literature in individuals affected with RBM20-related conditions. Advanced modeling of protein sequence and biophysical properties (such as structural, functional, and spatial information, amino acid conservation, physicochemical variation, residue mobility, and thermodynamic stability) performed at Invitae indicates that this missense variant is not expected to disrupt RBM20 protein function with a negative predictive value of 95%. In summary, the available evidence is currently insufficient to determine the role of this variant in disease. Therefore, it has been classified as a Variant of Uncertain Significance.

NM_001134363.3(RBM20):c.2431G>A (p.Val811Ile)

Gene: RBM20 (RNA binding motif protein 20; plus strand). Cytogenetic location: 10q25.2.
Variant type: single nucleotide variant.
Coding change: c.2431G>A on transcript NM_001134363.3 (MANE Select); coding-DNA position 2431, G replaced by A.
Protein change: p.Val811Ile; replaces valine 811 with isoleucine.
Molecular consequence: missense variant.
Genome position (GRCh38, 1-based): chr10:110,812,828, G>A. VCF-style: chr10-110812828-G-A. GRCh37 (hg19) VCF-style: chr10-112572586-G-A.
Other names: short protein forms V811I.
Identifiers: ClinVar variation 3611953 (VCV003611953.2).